The following is an entry in ClinVar:

NM_000138.5(FBN1):c.920C>G (p.Thr307Arg)

Gene: FBN1 (fibrillin 1; minus strand). Cytogenetic location: 15q21.1.
Variant type: single nucleotide variant.
Coding change: c.920C>G on transcript NM_000138.5 (MANE Select); coding-DNA position 920, C replaced by G.
Protein change: p.Thr307Arg; replaces threonine 307 with arginine.
Molecular consequence: missense variant.
Genome position (GRCh38, 1-based): chr15:48,526,198, G>C on the plus strand (C>G on the coding strand, the complement: FBN1 is on the minus strand). VCF-style: chr15-48526198-G-C. GRCh37 (hg19) VCF-style: chr15-48818395-G-C.
Other names: c.920C>G, p.Thr307Arg (NM_001406716.1); short protein forms T307R.
Identifiers: ClinVar variation 3071789 (VCV003071789.1), dbSNP rs2505640876, ClinGen allele CA392350151.

ClinVar aggregate classification (germline): Uncertain significance (1 of 4 stars; one submission).

Conditions:
Marfan syndrome (MFS). Also called: MARFAN SYNDROME, TYPE I; Marfan syndrome type 1; Marfan's syndrome; Marfan syndrome, classic; FBN1-Related Marfan Syndrome. Identifiers: Orphanet 284963, Orphanet 558, MedGen C0024796, MONDO:0007947, OMIM 154700.

Allele frequency attached by ClinVar (database versions not stated): gnomAD exomes below 0.00001.
gnomAD v4.1: 1 of 1,614,010 alleles (0.000062%); highest among the groups gnomAD compares: Non-Finnish European, 0.000085%; no homozygotes.

Submission:

All of Us Research Program, National Institutes of Health
Classification: Uncertain significance for Marfan syndrome. Last evaluated: 2023-06-26. Review status: criteria provided, single submitter. Criteria: ACMG Guidelines, 2015. Collection method: clinical testing. Allele origin: germline. Inheritance: Autosomal dominant inheritance. Observed: 1 variant allele, 1 heterozygote.
Comment: This missense variant replaces threonine with arginine at codon 307 of the FBN1 protein. Computational prediction suggests that this variant may have deleterious impact on protein structure and function (internally defined REVEL score threshold >= 0.7, PMID: 27666373). To our knowledge, functional studies have not been reported for this variant. This variant has not been reported in individuals affected with FBN1-related disorders in the literature. This variant has not been identified in the general population by the Genome Aggregation Database (gnomAD). The available evidence is insufficient to determine the role of this variant in disease conclusively. Therefore, this variant is classified as a Variant of Uncertain Significance.

This study involves interpretation of variants in research participants for the purpose of population health screening. Participant phenotype was not available at the time of variant classification. Additional details can be found in publication PMID: 35346344, PMCID: PMC8962531